The following is an entry in ClinVar:

ClinVar aggregate classification (germline): Benign/Likely benign. Review status: criteria provided, multiple submitters, no conflicts (2 of 4 stars). 5 submissions from 5 submitters: Benign (1); Likely benign (3). 1 of the submissions does not count toward it. Last evaluated 2026-04-20.

Conditions:
DICER1-related tumor predisposition. Also called: DICER1-related pleuropulmonary blastoma cancer predisposition syndrome; DICER1 syndrome. Identifiers: Orphanet 284343, MedGen C3839822, MONDO:0100216.
DICER1-related disorder. Also called: DICER1-related condition.
Hereditary cancer-predisposing syndrome. Also called: Hereditary Cancer Syndrome; Neoplastic Syndromes, Hereditary; Hereditary neoplastic syndrome; Tumor predisposition. Identifiers: Orphanet 140162, MedGen C0027672, MeSH D009386, MONDO:0015356.

Allele frequency attached by ClinVar (database versions not stated): gnomAD exomes 0.00006 and 0.00002; ExAC 0.00003; gnomAD 0.00004 and 0.00003; TOPMed 0.00004; ESP Exome Variant Server 0.00008.

Submissions (5):

Myriad Genetics, Inc.
Classification: Benign for DICER1-related tumor predisposition. Last evaluated: 2026-04-20. Review status: criteria provided, single submitter. Criteria: Myriad Autosomal Dominant, Autosomal Recessive and X-Linked Classification Criteria (2023). Collection method: clinical testing. Allele origin: unknown.
Comment: This variant is considered benign. This variant is a silent/synonymous amino acid change and it is not expected to impact splicing.

Labcorp Genetics (formerly Invitae), Labcorp
Classification: Likely benign for DICER1-related tumor predisposition. Last evaluated: 2025-12-24. Review status: criteria provided, single submitter. Criteria: Invitae Variant Classification Sherloc (09022015). Collection method: clinical testing. Allele origin: germline.

Sema4
Classification: Likely benign for Hereditary cancer-predisposing syndrome. Last evaluated: 2021-01-25. Review status: criteria provided, single submitter. Criteria: Sema4 Curation Guidelines. Collection method: curation. Allele origin: germline.

Ambry Genetics
Classification: Likely benign for Hereditary cancer-predisposing syndrome. Last evaluated: 2017-05-03. Review status: criteria provided, single submitter. Criteria: Ambry Variant Classification Scheme 2023. Collection method: clinical testing. Allele origin: germline.

PreventionGenetics, part of Exact Sciences
Classification: Likely benign for DICER1-related condition. Last evaluated: 2019-03-27. Review status: no assertion criteria provided. Collection method: clinical testing. Allele origin: germline. Not counted in ClinVar's aggregate classification.
Comment: This variant is classified as likely benign based on ACMG/AMP sequence variant interpretation guidelines (Richards et al. 2015 PMID: 25741868, with internal and published modifications).

NM_177438.3(DICER1):c.4896T>C (p.Ser1632=)

Gene: DICER1 (dicer 1, ribonuclease III; minus strand). Cytogenetic location: 14q32.13.
Variant type: single nucleotide variant.
Coding change: c.4896T>C on transcript NM_177438.3 (MANE Select); coding-DNA position 4896, T replaced by C.
Protein change: p.Ser1632=; no amino-acid change (serine 1632 retained).
Molecular consequence: synonymous variant.
Genome position (GRCh38, 1-based): chr14:95,096,024, A>G on the plus strand (T>C on the coding strand, the complement: DICER1 is on the minus strand). VCF-style: chr14-95096024-A-G. GRCh37 (hg19) VCF-style: chr14-95562361-A-G.
Other names: c.4896T>C, p.Ser1632= (NM_001195573.1, NM_001271282.3, NM_001291628.2 and 1 more transcripts).
Identifiers: ClinVar variation 417054 (VCV000417054.20), dbSNP rs376515225, ClinGen allele CA7330775.